The following is an entry in ClinVar:

NM_015271.5(TRIM2):c.756A>C (p.Glu252Asp)

Gene: TRIM2 (tripartite motif containing 2; plus strand). Cytogenetic location: 4q31.3.
Variant type: single nucleotide variant.
Coding change: c.756A>C on transcript NM_015271.5 (MANE Select); coding-DNA position 756, A replaced by C.
Protein change: p.Glu252Asp; replaces glutamic acid 252 with aspartic acid.
Molecular consequence: missense variant.
Genome position (GRCh38, 1-based): chr4:153,294,455, A>C. VCF-style: chr4-153294455-A-C. GRCh37 (hg19) VCF-style: chr4-154215607-A-C.
Other names: c.675A>C, p.Glu225Asp (NM_001130067.2, NM_001351056.2); c.729A>C, p.Glu243Asp (NM_001351054.2); c.726A>C, p.Glu242Asp (NM_001351055.2); c.300A>C, p.Glu100Asp (NM_001351057.2); short protein forms E225D, E243D, E252D, E100D, E242D.
Identifiers: ClinVar variation 541514 (VCV000541514.16), dbSNP rs138228404, ClinGen allele CA107915189.
Genomic context (GRCh38, chr4:153,294,455, plus strand): 5'-TTCCACCTTTGATGAGCTCCAGAAGACTTTAAATGTGCGCAAGAGTGTGCTGCTTATGGA[A>C]TTGGAGGTCAACTATGGCCTCAAACACAAAGTAAGACCAGAATCATTACAGATGTCCTGG-3'
Protein context (NP_056086.2, residues 242-262): LNVRKSVLLM[Glu252Asp]LEVNYGLKHK

ClinVar aggregate classification (germline): Uncertain significance. Review status: criteria provided, multiple submitters, no conflicts (2 of 4 stars). 3 submissions from 3 submitters: Uncertain significance (3). Last evaluated 2024-11-10.

Conditions:
Charcot-Marie-Tooth disease type 2R. Also called: CHARCOT-MARIE-TOOTH DISEASE, AXONAL, AUTOSOMAL RECESSIVE, TYPE 2R; Charcot-Marie-Tooth disease, axonal, type 2R; CHARCOT-MARIE-TOOTH NEUROPATHY, TYPE 2R. Identifiers: Orphanet 397968, MedGen C3809655, MONDO:0014208, OMIM 615490.

Allele frequency attached by ClinVar (database versions not stated): gnomAD exomes 0.00001 and below 0.00001; TOPMed 0.00003; gnomAD 0.00004; ESP Exome Variant Server 0.00008.

Submissions (3):

Labcorp Genetics (formerly Invitae), Labcorp
Classification: Uncertain significance for Charcot-Marie-Tooth disease type 2R. Last evaluated: 2024-11-10. Review status: criteria provided, single submitter. Criteria: Invitae Variant Classification Sherloc (09022015). Collection method: clinical testing. Allele origin: germline.
Comment: This sequence change replaces glutamic acid, which is acidic and polar, with aspartic acid, which is acidic and polar, at codon 225 of the TRIM2 protein (p.Glu225Asp). This variant is present in population databases (rs138228404, gnomAD 0.007%). This variant has not been reported in the literature in individuals affected with TRIM2-related conditions. ClinVar contains an entry for this variant (Variation ID: 541514). An algorithm developed to predict the effect of missense changes on protein structure and function (PolyPhen-2) suggests that this variant is likely to be tolerated. In summary, the available evidence is currently insufficient to determine the role of this variant in disease. Therefore, it has been classified as a Variant of Uncertain Significance.

Fulgent Genetics
Classification: Uncertain significance for Charcot-Marie-Tooth disease type 2R. Last evaluated: 2024-06-11. Review status: criteria provided, single submitter. Criteria: ACMG Guidelines, 2015. Collection method: clinical testing. Allele origin: germline.

Mayo Clinic Laboratories, Mayo Clinic
Classification: Uncertain significance. Last evaluated: 2019-10-06. Review status: criteria provided, single submitter. Criteria: ACMG Guidelines, 2015. Collection method: clinical testing. Allele origin: germline.